The following is an entry in ClinVar:

NM_001367624.2(ZNF469):c.11714C>G (p.Pro3905Arg)

Gene: ZNF469 (zinc finger protein 469; plus strand). Cytogenetic location: 16q24.2.
Variant type: single nucleotide variant.
Coding change: c.11714C>G on transcript NM_001367624.2 (MANE Select); coding-DNA position 11714, C replaced by G.
Protein change: p.Pro3905Arg; replaces proline 3905 with arginine.
Molecular consequence: missense variant.
Genome position (GRCh38, 1-based): chr16:88,439,184, C>G. VCF-style: chr16-88439184-C-G. GRCh37 (hg19) VCF-style: chr16-88505592-C-G.
Other names: short protein forms P3905R.
Identifiers: ClinVar variation 426561 (VCV000426561.4), dbSNP rs529322092, ClinGen allele CA397131057.
Genomic context (GRCh38, chr16:88,439,184, plus strand): 5'-CACAGAGGAAGGACAGACTGGGCAAGGCCTTCCCCCAGGGGAGACCCCTGCTCAGGCCCC[C>G]CAAGAGGGGCACAGCTGTCCACGGTGCTGAACCTGCCGAGCCACACACCCACCGGACGGC-3'
Protein context (NP_001354553.1, residues 3895-3915): FPQGRPLLRP[Pro3905Arg]KRGTAVHGAE

ClinVar aggregate classification (germline): Uncertain significance. Review status: criteria provided, multiple submitters, no conflicts (2 of 4 stars). 2 submissions from 2 submitters: Uncertain significance (2). Last evaluated 2022-06-21.

Conditions:
Brittle cornea syndrome 1 (BCS1). Also called: Corneal fragility keratoglobus, blue sclerae AND joint hypermobility; DYSGENESIS MESODERMALIS CORNEAE ET SCLERAE; CORNEAL FRAGILITY, KERATOGLOBUS, BLUE SCLERAE, JOINT HYPEREXTENSIBILITY; EDS6B; FRAGILITAS OCULI WITH JOINT HYPEREXTENSIBILITY. Identifiers: Orphanet 90354, MedGen C0268344, MONDO:0024543, OMIM 229200.

Allele frequency attached by ClinVar (database versions not stated): TOPMed below 0.00001.
gnomAD v4.1: 29 of 1,550,330 alleles (0.0019%); highest among the groups gnomAD compares: South Asian, 0.021%; no homozygotes.

Submissions (2):

Revvity Omics, Revvity
Classification: Uncertain significance for Brittle cornea syndrome 1. Last evaluated: 2022-06-21. Review status: criteria provided, single submitter. Criteria: ACMG Guidelines, 2015. Collection method: clinical testing. Allele origin: germline.

GeneDx
Classification: Uncertain significance. Last evaluated: 2017-04-12. Review status: criteria provided, single submitter. Criteria: GeneDx Variant Classification (06012015). Collection method: clinical testing. Allele origin: germline. Affected: yes.
Comment: A variant of uncertain significance has been identified in the ZNF469 gene. The P3877R variant has not been published as pathogenic or been reported as benign to our knowledge. This variant is not observed in large population cohorts (Lek et al., 2016; 1000 Genomes Consortium et al., 2015; Exome Variant Server). The P3877R variant is a non-conservative amino acid substitution, which is likely to impact secondary protein structure as these residues differ in polarity, charge, size and/or other properties. However, this substitution occurs at a position that is not conserved across species. Furthermore, 2/3 in silico algorithms predict this variant likely does not alter the protein structure/function.